The following is an entry in ClinVar:

ClinVar aggregate classification (germline): Likely benign (0 of 4 stars; one submission).

Conditions:
NRP1-related disorder. Also called: NRP1-related condition.

Submission:

PreventionGenetics, part of Exact Sciences
Classification: Likely benign for NRP1-related condition. Last evaluated: 2023-03-01. Review status: no assertion criteria provided. Collection method: clinical testing. Allele origin: germline.
Comment: This variant is classified as likely benign based on ACMG/AMP sequence variant interpretation guidelines (Richards et al. 2015 PMID: 25741868, with internal and published modifications).

NM_003873.7(NRP1):c.2432-5G>A

Gene: NRP1 (neuropilin 1; minus strand). Cytogenetic location: 10p11.22.
Variant type: single nucleotide variant.
Coding change: c.2432-5G>A on transcript NM_003873.7 (MANE Select); 5 bases into the intron before coding-DNA position 2432, G replaced by A.
Molecular consequence: intron variant.
Genome position (GRCh38, 1-based): chr10:33,182,753, C>T on the plus strand (G>A on the coding strand, the complement: NRP1 is on the minus strand). VCF-style: chr10-33182753-C-T. GRCh37 (hg19) VCF-style: chr10-33471681-C-T.
Other names: c.2411-5G>A (NM_001244973.2); c.2414-5G>A (NM_001244972.2); c.2432-2388G>A (NM_001330068.2).
Identifiers: ClinVar variation 3356804 (VCV003356804.1).
Genomic context (GRCh38, chr10:33,182,753, plus strand): 5'-TTTACCTGTTTCATCAATTTTAATTTCTGGGTTCTTTTTATCCAGGTCTGCTGGTTCTGA[C>T]AAGTCAAACAAAATTGAAAGAGATATTTGAACTGCCATCAAAATATAATGCACCAAACTA-3'